The following is an entry in ClinVar:

NM_001395373.1(GOLGA8S):c.957G>A (p.Ala319=)

Gene: GOLGA8S (golgin A8 family member S; plus strand). Cytogenetic location: 15q11.2.
Variant type: single nucleotide variant.
Coding change: c.957G>A on transcript NM_001395373.1 (MANE Select); coding-DNA position 957, G replaced by A.
Protein change: p.Ala319=; no amino-acid change (alanine 319 retained).
Molecular consequence: synonymous variant.
Genome position (GRCh38, 1-based): chr15:23,361,264, G>A. VCF-style: chr15-23361264-G-A. GRCh37 (hg19) VCF-style: chr15-23606411-G-A.
Other names: c.279G>A, p.Ala93= (NM_001355465.2).
Identifiers: ClinVar variation 4872024 (VCV004872024.2).

ClinVar aggregate classification (germline): Likely benign (1 of 4 stars; one submission).

gnomAD v4.1: 6,075 of 1,495,316 alleles (0.41%); highest among the groups gnomAD compares: Non-Finnish European, 0.52%; 225 homozygotes.

Submission:

CeGaT Center for Human Genetics Tuebingen
Classification: Likely benign. Last evaluated: 2026-04-01. Review status: criteria provided, single submitter. Criteria: CeGaT Center For Human Genetics Tuebingen Variant Classification Criteria Version 2. Collection method: clinical testing. Allele origin: germline. Affected: yes. Observed: 1 variant allele.
Comment: GOLGA8S: BP4, BP7, BS2